The following is an entry in ClinVar:

ClinVar aggregate classification (germline): Benign/Likely benign. Review status: criteria provided, multiple submitters, no conflicts (2 of 4 stars). 3 submissions from 3 submitters: Benign (1); Likely benign (1). 1 of the submissions does not count toward it. Last evaluated 2023-03-08.

Conditions:
ZFHX2-related disorder. Also called: ZFHX2-related condition.

Allele frequency attached by ClinVar (database versions not stated): gnomAD exomes 0.00030; ExAC 0.00035; 1000 Genomes Project 0.00120; 1000 Genomes Project 30x 0.00125; TOPMed 0.00143.
gnomAD v4.1: 364 of 1,536,166 alleles (0.024%); highest among the groups gnomAD compares: African/African-American, 0.46%; 4 homozygotes.

Submissions (3):

Blueprint Genetics
Classification: Likely benign. Last evaluated: 2023-03-08. Review status: criteria provided, single submitter. Criteria: ACMG Guidelines, 2015. Collection method: clinical testing. Allele origin: germline.

Labcorp Genetics (formerly Invitae), Labcorp
Classification: Benign. Last evaluated: 2018-05-15. Review status: criteria provided, single submitter. Criteria: Invitae Variant Classification Sherloc (09022015). Collection method: clinical testing. Allele origin: germline.

PreventionGenetics, part of Exact Sciences
Classification: Likely benign for ZFHX2-related condition. Last evaluated: 2019-04-24. Review status: no assertion criteria provided. Collection method: clinical testing. Allele origin: germline. Not counted in ClinVar's aggregate classification.
Comment: This variant is classified as likely benign based on ACMG/AMP sequence variant interpretation guidelines (Richards et al. 2015 PMID: 25741868, with internal and published modifications).

NM_033400.3(ZFHX2):c.4953C>A (p.Arg1651=)

Genes: THTPA (thiamine triphosphatase; plus strand), ZFHX2 (zinc finger homeobox 2; minus strand). Cytogenetic location: 14q11.2.
Variant type: single nucleotide variant.
Coding change: c.4953C>A on transcript NM_033400.3 (MANE Select); coding-DNA position 4953, C replaced by A.
Protein change: p.Arg1651=; no amino-acid change (arginine 1651 retained).
Molecular consequence: synonymous variant.
Genome position (GRCh38, 1-based): chr14:23,524,989, G>T on the plus strand (C>A on the coding strand, the complement: ZFHX2 is on the minus strand). VCF-style: chr14-23524989-G-T. GRCh37 (hg19) VCF-style: chr14-23994198-G-T.
Identifiers: ClinVar variation 738662 (VCV000738662.6), dbSNP rs189084513, ClinGen allele CA7116913.